The following is an entry in ClinVar:

ClinVar aggregate classification (germline): Pathogenic. Review status: reviewed by expert panel (3 of 4 stars). 13 submissions from 13 submitters: Pathogenic (1). 12 of the submissions do not count toward it. Last evaluated 2016-09-08.

Conditions:
Hereditary cancer-predisposing syndrome. Also called: Tumor predisposition; Neoplastic Syndromes, Hereditary; Hereditary Cancer Syndrome; Hereditary neoplastic syndrome. Identifiers: Orphanet 140162, MedGen C0027672, MeSH D009386, MONDO:0015356.
Hereditary breast ovarian cancer syndrome. Also called: Hereditary breast and ovarian cancer syndrome (HBOC); Hereditary breast and ovarian cancer syndrome; Hereditary breast and ovarian cancer; Hereditary breast and/or ovarian cancer syndrome; Breast and ovarian cancer; BRCA1- and BRCA2-Associated Hereditary Breast and Ovarian Cancer. Identifiers: Orphanet 145, MedGen C0677776, MeSH D061325, MONDO:0003582. Disease mechanism: loss of function.
Breast-ovarian cancer, familial, susceptibility to, 1 (BROVCA1). Also called: OVARIAN CANCER, SUSCEPTIBILITY TO; BRCA1 Hereditary Breast and Ovarian Cancer. Identifiers: Orphanet 145, MedGen C2676676, MONDO:0011450, OMIM 604370. Disease mechanism: loss of function.

Allele frequency attached by ClinVar (database versions not stated): gnomAD exomes below 0.00001.
gnomAD v4.1: 1 of 1,613,262 alleles (0.000062%); highest among the groups gnomAD compares: Non-Finnish European, 0.000085%; no homozygotes.

Submissions (13):

Evidence-based Network for the Interpretation of Germline Mutant Alleles (ENIGMA)
Classification: Pathogenic for Breast-ovarian cancer, familial, susceptibility to, 1. Last evaluated: 2016-09-08. Review status: reviewed by expert panel. Criteria: ENIGMA BRCA1/2 Classification Criteria (2015). Collection method: curation. Allele origin: germline.
Comment: Variant allele predicted to encode a truncated non-functional protein.

Institute of Immunology and Genetics Kaiserslautern
Classification: Pathogenic for Breast-ovarian cancer, familial, susceptibility to, 1. Last evaluated: 2025-07-29. Review status: criteria provided, single submitter. Criteria: ACMG Guidelines, 2015. Collection method: clinical testing. Allele origin: germline. Affected: yes. Not counted in ClinVar's aggregate classification.
Comment: ACMG Criteria: PVS1, PS4, PM2, PP5_M.

Center for Genomic Medicine, Rigshospitalet, Copenhagen University Hospital
Classification: Pathogenic. Last evaluated: 2025-03-04. Review status: criteria provided, single submitter. Criteria: ACMG Guidelines, 2015. Collection method: clinical testing. Allele origin: germline. Not counted in ClinVar's aggregate classification.

Labcorp Genetics (formerly Invitae), Labcorp
Classification: Pathogenic for Hereditary breast ovarian cancer syndrome. Last evaluated: 2025-02-20. Review status: criteria provided, single submitter. Criteria: Invitae Variant Classification Sherloc (09022015). Collection method: clinical testing. Allele origin: germline. Not counted in ClinVar's aggregate classification.
Comment: This sequence change creates a premature translational stop signal (p.Glu1107*) in the BRCA1 gene. It is expected to result in an absent or disrupted protein product. Loss-of-function variants in BRCA1 are known to be pathogenic (PMID: 20104584). This variant is not present in population databases (gnomAD no frequency). This premature translational stop signal has been observed in individual(s) with clinical features of hereditary breast and ovarian cancer (HBOC) syndrome (PMID: 18559594, 29446198). This variant is also known as c.3438G>T. ClinVar contains an entry for this variant (Variation ID: 54836). For these reasons, this variant has been classified as Pathogenic.

Department of Clinical Genetics, Copenhagen University Hospital, Rigshospitalet
Classification: Pathogenic for Breast-ovarian cancer, familial, susceptibility to, 1. Last evaluated: 2024-05-27. Review status: criteria provided, single submitter. Criteria: ACMG Guidelines, 2015. Collection method: clinical testing. Allele origin: germline. Affected: yes. Not counted in ClinVar's aggregate classification.
Comment: PVS1; PM2_supporting; PM5_PTC_Strong

Baylor Genetics
Classification: Pathogenic for Breast-ovarian cancer, familial, susceptibility to, 1. Last evaluated: 2023-05-05. Review status: criteria provided, single submitter. Criteria: ACMG Guidelines, 2015. Collection method: clinical testing. Allele origin: unknown. Not counted in ClinVar's aggregate classification.

Ambry Genetics
Classification: Pathogenic for Hereditary cancer-predisposing syndrome. Last evaluated: 2021-12-14. Review status: criteria provided, single submitter. Criteria: Ambry Variant Classification Scheme 2023. Collection method: clinical testing. Allele origin: germline. Not counted in ClinVar's aggregate classification.
Comment: The p.E1107* pathogenic mutation (also known as c.3319G>T), located in coding exon 9 of the BRCA1 gene, results from a G to T substitution at nucleotide position 3319. This changes the amino acid from a glutamic acid to a stop codon within coding exon 9. This mutation has been identified in Danish cohorts of breast and ovarian cancer patients and is recognized as a founder mutation in this population (Soegaard M et al. Clin. Cancer Res. 2008 Jun;14:3761-7; Thomassen M et al. Acta Oncol 2008;47:772-7; Janaviius R. EPMA J 2010 Sep;1:397-412). One study focusing on female cancer risks found that this mutation may be associated with higher risk for ovarian cancer when compared to other BRCA1 mutations in the Danish population (Nielsen HR et al. Fam. Cancer 2016 Oct;15:507-12). This variant is considered to be rare based on population cohorts in the Genome Aggregation Database (gnomAD). Of note, this alteration is also designated as 3438G>T in published literature. In addition to the clinical data presented in the literature, this alteration is expected to result in loss of function by premature protein truncation or nonsense-mediated mRNA decay. As such, this alteration is interpreted as a disease-causing mutation.

Color Diagnostics, LLC DBA Color Health
Classification: Pathogenic for Hereditary cancer-predisposing syndrome. Last evaluated: 2020-01-15. Review status: criteria provided, single submitter. Criteria: ACMG Guidelines, 2015. Collection method: clinical testing. Allele origin: germline. Not counted in ClinVar's aggregate classification.
Comment: This variant changes 1 nucleotide in exon 10 of the BRCA1 gene, creating a premature translation stop signal. This variant is expected to result in an absent or non-functional protein product. This variant has not been identified in the general population by the Genome Aggregation Database (gnomAD). Loss of BRCA1 function is a known mechanism of disease. Based on the available evidence, this variant is classified as Pathogenic.

Consortium of Investigators of Modifiers of BRCA1/2 (CIMBA), c/o University of Cambridge
Classification: Pathogenic for Breast-ovarian cancer, familial, susceptibility to, 1. Last evaluated: 2015-10-02. Review status: criteria provided, single submitter. Criteria: CIMBA Mutation Classification guidelines May 2016. Collection method: clinical testing. Allele origin: germline. Not counted in ClinVar's aggregate classification.

Department of Medical Genetics, Oslo University Hospital
Classification: Pathogenic for Breast-ovarian cancer, familial, susceptibility to, 1. Last evaluated: 2015-07-01. Review status: criteria provided, single submitter. Criteria: ACMG Guidelines, 2015. Collection method: clinical testing. Allele origin: germline. Affected: yes. Observed: 16 variant alleles. Not counted in ClinVar's aggregate classification.

BRCAlab, Lund University
Classification: Pathogenic for Breast-ovarian cancer, familial, susceptibility to, 1. Last evaluated: 2020-03-02. Review status: no assertion criteria provided. Collection method: clinical testing. Allele origin: germline. Affected: yes. Not counted in ClinVar's aggregate classification.

Research Molecular Genetics Laboratory, Women's College Hospital, University of Toronto
Classification: Pathogenic for Hereditary breast ovarian cancer syndrome. Last evaluated: 2014-01-31. Review status: no assertion criteria provided. Collection method: research. Allele origin: germline. Affected: yes. Study: The Canadian Open Genetics Repository (COGR). Not counted in ClinVar's aggregate classification.

Breast Cancer Information Core (BIC) (BRCA1)
Classification: Pathogenic for Breast-ovarian cancer, familial 1. Last evaluated: 2004-02-20. Review status: no assertion criteria provided. Collection method: clinical testing. Allele origin: germline. Affected: yes. Observed: 3 variant alleles. Not counted in ClinVar's aggregate classification.

Literature cited by the submitters: PubMed 26833046 (cited by Center for Genomic Medicine, Rigshospitalet, Copenhagen University Hospital and Ambry Genetics); PubMed 20104584 (cited by Labcorp Genetics (formerly Invitae), Labcorp); PubMed 18559594 (cited by Labcorp Genetics (formerly Invitae), Labcorp and Ambry Genetics); PubMed 29446198 (cited by Labcorp Genetics (formerly Invitae), Labcorp); PubMed 18465347 (cited by Ambry Genetics); PubMed 23199084 (cited by Ambry Genetics).

NM_007294.4(BRCA1):c.3319G>T (p.Glu1107Ter)

Genes: BRCA1 (BRCA1 DNA repair associated; minus strand), LOC126862571 (BRD4-independent group 4 enhancer GRCh37_chr17:41243136-41244335; plus strand). Cytogenetic location: 17q21.31.
Variant type: single nucleotide variant.
Coding change: c.3319G>T on transcript NM_007294.4 (MANE Select); coding-DNA position 3319, G replaced by T.
Protein change: p.Glu1107Ter; replaces glutamic acid 1107 with a stop codon.
Molecular consequence: nonsense. On other transcripts: intron variant (137).
Genome position (GRCh38, 1-based): chr17:43,092,212, C>A on the plus strand (G>T on the coding strand, the complement: BRCA1 is on the minus strand). VCF-style: chr17-43092212-C-A. GRCh37 (hg19) VCF-style: chr17-41244229-C-A.
Other names: c.3106G>T, p.Glu1036Ter (NM_001407571.1, NM_001407853.1, NM_001407894.1 and 9 more transcripts); c.3319G>T, p.Glu1107Ter (NM_001407581.1, NM_001407582.1, NM_001407583.1 and 30 more transcripts); c.3316G>T, p.Glu1106Ter (NM_001407587.1, NM_001407590.1, NM_001407591.1 and 22 more transcripts); c.3310G>T, p.Glu1104Ter (NM_001407646.1, NM_001407647.1); c.3196G>T, p.Glu1066Ter (NM_001407648.1, NM_001407664.1, NM_001407665.1 and 19 more transcripts); c.3193G>T, p.Glu1065Ter (NM_001407649.1, NM_001407670.1, NM_001407671.1 and 11 more transcripts); c.3241G>T, p.Glu1081Ter (NM_001407653.1, NM_001407654.1, NM_001407655.1 and 4 more transcripts); c.3238G>T, p.Glu1080Ter (NM_001407659.1, NM_001407660.1, NM_001407661.1 and 1 more transcripts); and 41 more; short protein forms E1107*, E1060*, E1019*, E1036*, E1037*, E1066*, E996*, E1040*.
Identifiers: ClinVar variation 54836 (VCV000054836.28), dbSNP rs80357106, ClinGen allele CA002139.